The following is an entry in ClinVar:

ClinVar aggregate classification (germline): Uncertain significance (1 of 4 stars; one submission).

Submission:

GeneDx
Classification: Uncertain significance. Last evaluated: 2022-02-07. Review status: criteria provided, single submitter. Criteria: GeneDx Variant Classification Process June 2021. Collection method: clinical testing. Allele origin: germline. Affected: yes.
Comment: Not observed at significant frequency in large population cohorts (gnomAD); In silico analysis supports that this missense variant has a deleterious effect on protein structure/function; Has not been previously published as pathogenic or benign to our knowledge

NM_015981.4(CAMK2A):c.976G>A (p.Gly326Ser)

Gene: CAMK2A (calcium/calmodulin dependent protein kinase II alpha; minus strand). Cytogenetic location: 5q32.
Variant type: single nucleotide variant.
Coding change: c.976G>A on transcript NM_015981.4 (MANE Select); coding-DNA position 976, G replaced by A.
Protein change: p.Gly326Ser; replaces glycine 326 with serine.
Molecular consequence: missense variant.
Genome position (GRCh38, 1-based): chr5:150,245,169, C>T on the plus strand (G>A on the coding strand, the complement: CAMK2A is on the minus strand). VCF-style: chr5-150245169-C-T. GRCh37 (hg19) VCF-style: chr5-149624732-C-T.
Other names: c.976G>A, p.Gly326Ser (NM_001363989.1, NM_001363990.1, NM_001369025.2 and 1 more transcripts); short protein forms G326S.
Identifiers: ClinVar variation 1342099 (VCV001342099.2), dbSNP rs2114053675, ClinGen allele CA361747475.
Genomic context (GRCh38, chr5:150,245,169, plus strand): 5'-TGGCAGAAACGCTGCCAGAGCCAAGCCCTGCCAGGCTCCTGGAGGGGCTTACCTTCACAC[C>T]ATCGCTCTTCTTGTTTCCCCCACTCTTCCCTCCTGTGGAGGAGAAAAAGTAGAGGGTTAA-3'
Protein context (NP_057065.2, residues 316-336): GKSGGNKKSD[Gly326Ser]VKKRKSSSSV